The following is an entry in ClinVar:

NM_000257.4(MYH7):c.2581G>A (p.Glu861Lys)

Genes: MYH7 (myosin heavy chain 7; minus strand), LOC126861898 (BRD4-independent group 4 enhancer GRCh37_chr14:23893609-23894808; plus strand). Cytogenetic location: 14q11.2.
Variant type: single nucleotide variant.
Coding change: c.2581G>A on transcript NM_000257.4 (MANE Select); coding-DNA position 2581, G replaced by A.
Protein change: p.Glu861Lys; replaces glutamic acid 861 with lysine.
Molecular consequence: missense variant.
Genome position (GRCh38, 1-based): chr14:23,424,867, C>T on the plus strand (G>A on the coding strand, the complement: MYH7 is on the minus strand). VCF-style: chr14-23424867-C-T. GRCh37 (hg19) VCF-style: chr14-23894076-C-T.
Other names: c.2581G>A (LRG_384t1); short protein forms E861K.
Identifiers: ClinVar variation 237434 (VCV000237434.13), dbSNP rs868789318, ClinGen allele CA10583169.

ClinVar aggregate classification (germline): Conflicting classifications of pathogenicity. Review status: criteria provided, conflicting classifications (1 of 4 stars). 3 submissions from 3 submitters: Likely pathogenic (1); Uncertain significance (2). Last evaluated 2022-03-18.

Conditions:
Dilated cardiomyopathy 1S (CMD1S). Identifiers: Orphanet 154, Orphanet 54260, MedGen C1834481, MONDO:0013262, OMIM 613426.
Ventricular tachycardia. Identifiers: MedGen C0042514, MONDO:0005477, HP:0004756.
Hypertrophic cardiomyopathy. Also called: HYPERTROPHIC MYOCARDIOPATHY. Identifiers: Orphanet 217569, MedGen C0007194, MeSH D002312, MONDO:0005045, HP:0001639.

Submissions (3):

Labcorp Genetics (formerly Invitae), Labcorp
Classification: Uncertain significance for Hypertrophic cardiomyopathy. Last evaluated: 2022-03-18. Review status: criteria provided, single submitter. Criteria: Invitae Variant Classification Sherloc (09022015). Collection method: clinical testing. Allele origin: germline.
Comment: This sequence change replaces glutamic acid, which is acidic and polar, with lysine, which is basic and polar, at codon 861 of the MYH7 protein (p.Glu861Lys). This variant is not present in population databases (gnomAD no frequency). This variant has not been reported in the literature in individuals affected with MYH7-related conditions. ClinVar contains an entry for this variant (Variation ID: 237434). Algorithms developed to predict the effect of missense changes on protein structure and function are either unavailable or do not agree on the potential impact of this missense change (SIFT: "Deleterious"; PolyPhen-2: "Possibly Damaging"; Align-GVGD: "Class C15"). In summary, the available evidence is currently insufficient to determine the role of this variant in disease. Therefore, it has been classified as a Variant of Uncertain Significance.

Victorian Clinical Genetics Services, Murdoch Childrens Research Institute
Classification: Uncertain significance for Dilated cardiomyopathy 1S. Last evaluated: 2020-10-19. Review status: criteria provided, single submitter. Criteria: ACMG Guidelines, 2015. Collection method: clinical testing. Allele origin: germline.
Comment: Based on the classification scheme VCGS_Germline_v1.3.3, this variant is classified as 3A-VUS. Following criteria are met: 0105 - The mechanism of disease for this gene is not clearly established. However, missense variants have been proposed to act in a dominant negative manner (PMID: 24714796). (I) 0108 - This gene is associated with both recessive and dominant disease. Pathogenic variants in this gene are usually heterozygous, however a recessive inheritance pattern has been observed in severe cases (OMIM). (I) 0112 - Variants in this gene are known to have reduced penetrance (PMID: 29300372). (N) 0200 - Variant is predicted to result in a missense amino acid change from glutamic acid to lysine. (I) 0251 - This variant is heterozygous. (I) 0301 - Variant is absent from gnomAD (both v2 and v3). (SP) 0309 - An alternative amino acid change at the same position has been observed in gnomAD (v2) (1 heterozygote, 0 homozygotes). (I) 0502 - Missense variant with conflicting in silico predictions and uninformative conservation. (I) 0602 - Variant is located in a hotspot region or cluster of pathogenic variants (PMID: 29300372). (P) 0705 - No comparable missense variants have previous evidence for pathogenicity. (I) 0809 - Previous evidence of pathogenicity for this variant is inconclusive. This variant has been previously reported as a VUS in a patient with dilated cardiomyopathy and as likely pathogenic in this patients family (ClinVar). (I) 0903 - This variant has limited evidence for segregation with disease. (SP) 1007 - No published functional evidence has been identified for this variant. (I) Legend: (SP) - Supporting pathogenic, (I) - Information, (SB) - Supporting benign

Agnes Ginges Centre for Molecular Cardiology, Centenary Institute
Classification: Likely pathogenic for Ventricular tachycardia. Last evaluated: 2017-12-02. Review status: criteria provided, single submitter. Criteria: ACMG Guidelines, 2015. Collection method: research. Allele origin: germline. Affected: yes.
Comment: The MYH7 Glu861Lys variant has been previously identified in a DCM proband (Invitae, Pers. Comm.), and is absent from the Exome Aggregation Consortium dataset and the Genome Aggregation Database. In a large HCM population study Walsh et al., identified that MYH7 variants identified in cases were found to cluster between amino acids 181- 937 (2017), this implies that variants in this region are likely to cause cardiomyopathy. Computational tools MutationTaster, SIFT, PolyPhen-2 and PolyPhen-HCM predict this variant to be deleterious. In summary, the variant is extremely rare in the general population, segregates with affected individuals, is located in a well known "hotspot" of MYH7 and in silico tools predict the variant to be disease-causing, therefore we classify MYH7 Glu861Lys as "likely pathogenic".

Literature cited by the submitters: PubMed 25125180 (cited by Victorian Clinical Genetics Services, Murdoch Childrens Research Institute); PubMed 27387980 (cited by Victorian Clinical Genetics Services, Murdoch Childrens Research Institute); PubMed 30897599 (cited by Victorian Clinical Genetics Services, Murdoch Childrens Research Institute); PubMed 24714796 (cited by Victorian Clinical Genetics Services, Murdoch Childrens Research Institute); PubMed 29300372 (cited by Victorian Clinical Genetics Services, Murdoch Childrens Research Institute).